The following is an entry in ClinVar:

ClinVar aggregate classification (germline): Likely pathogenic (1 of 4 stars; one submission).

Submission:

Labcorp Genetics (formerly Invitae), Labcorp
Classification: Likely pathogenic. Last evaluated: 2022-11-08. Review status: criteria provided, single submitter. Criteria: Invitae Variant Classification Sherloc (09022015). Collection method: clinical testing. Allele origin: germline.
Comment: Algorithms developed to predict the effect of sequence changes on RNA splicing suggest that this variant may disrupt the consensus splice site. In summary, the currently available evidence indicates that the variant is pathogenic, but additional data are needed to prove that conclusively. Therefore, this variant has been classified as Likely Pathogenic. This variant has not been reported in the literature in individuals affected with VPS13D-related conditions. This variant is not present in population databases (gnomAD no frequency). This sequence change affects a donor splice site in intron 17 of the VPS13D gene. It is expected to disrupt RNA splicing. Variants that disrupt the donor or acceptor splice site typically lead to a loss of protein function (PMID: 16199547), and loss-of-function variants in VPS13D are known to be pathogenic (PMID: 29518281).

Literature cited by the submitters: PubMed 16199547; PubMed 29518281.

NM_015378.4(VPS13D):c.2103+1G>T

Gene: VPS13D (vacuolar protein sorting 13 homolog D; plus strand). Cytogenetic location: 1p36.22.
Variant type: single nucleotide variant.
Coding change: c.2103+1G>T on transcript NM_015378.4 (MANE Select); the canonical splice donor site of the intron after coding-DNA position 2103, G replaced by T.
Molecular consequence: splice donor variant.
Genome position (GRCh38, 1-based): chr1:12,271,125, G>T. VCF-style: chr1-12271125-G-T. GRCh37 (hg19) VCF-style: chr1-12331182-G-T.
Other names: c.2103+1G>T (NM_018156.4).
Identifiers: ClinVar variation 1907660 (VCV001907660.5), dbSNP rs867479692, ClinGen allele CA18036672.
Genomic context (GRCh38, chr1:12,271,125, plus strand): 5'-ATGCAGACCAAGGCAGAAATCCGGCAAACTCTTGATCGTTTGCTAGTGGGTGATTTCATT[G>T]TAAGTGGGCATCCATAAACACTCTTTGGGGATTGGGGAAGGGGCAGGAATTCTTTCCGTC-3'